The following is an entry in ClinVar:

ClinVar aggregate classification (germline): Uncertain significance (1 of 4 stars; one submission).

Conditions:
Hereditary spherocytosis type 2. Also called: SPHEROCYTOSIS, TYPE 2, AUTOSOMAL DOMINANT. Identifiers: Orphanet 822, MedGen C2674219, MONDO:0000913, OMIM 616649.

Submission:

Institute of Human Genetics, University of Leipzig Medical Center
Classification: Uncertain significance for Hereditary spherocytosis type 2. Last evaluated: 2025-03-04. Review status: criteria provided, single submitter. Criteria: ACMG Guidelines, 2015. Collection method: clinical testing. Allele origin: unknown. Inheritance: Autosomal dominant inheritance. Affected: yes.
Comment: Criteria applied: PM2,PM4,PP4

NM_001355436.2(SPTB):c.5113_5553+672del

Gene: SPTB (spectrin beta, erythrocytic; minus strand). Cytogenetic location: 14q23.3.
Variant type: Deletion.
Coding change: c.5113_5553+672del on transcript NM_001355436.2 (MANE Select); coding-DNA position 5113 through 672 bases into the intron after coding-DNA position 5553, 1,378 bases deleted.
Molecular consequence: splice acceptor variant, splice donor variant.
Genome position (GRCh38, 1-based): chr14:64,771,908-64,773,285, 1,378 bases deleted. GRCh37 (hg19): chr14:65,238,626-65,240,003.
Other names: c.5113_5553+672del (NM_001024858.4, NM_001355437.2).
Identifiers: ClinVar variation 3773732 (VCV003773732.2).